The following is an entry in ClinVar:

ClinVar aggregate classification (germline): Likely benign. Review status: criteria provided, multiple submitters, no conflicts (2 of 4 stars). 3 submissions from 3 submitters: Likely benign (2). 1 of the submissions does not count toward it. Last evaluated 2025-10-03.

Conditions:
SRCAP-related disorder. Also called: SRCAP-related condition.

Allele frequency attached by ClinVar (database versions not stated): TOPMed 0.00009; ExAC 0.00011; gnomAD 0.00011 and 0.00012; gnomAD exomes 0.00014 and 0.00023; ESP Exome Variant Server 0.00031.
gnomAD v4.1: 355 of 1,614,054 alleles (0.022%); highest among the groups gnomAD compares: Non-Finnish European, 0.027%; no homozygotes.

Submissions (3):

Labcorp Genetics (formerly Invitae), Labcorp
Classification: Likely benign. Last evaluated: 2025-10-03. Review status: criteria provided, single submitter. Criteria: Invitae Variant Classification Sherloc (09022015). Collection method: clinical testing. Allele origin: germline.

Blueprint Genetics
Classification: Likely benign. Last evaluated: 2024-10-31. Review status: criteria provided, single submitter. Criteria: ACMG Guidelines, 2015. Collection method: clinical testing. Allele origin: germline.

PreventionGenetics, part of Exact Sciences
Classification: Likely benign for SRCAP-related condition. Last evaluated: 2021-09-29. Review status: no assertion criteria provided. Collection method: clinical testing. Allele origin: germline. Not counted in ClinVar's aggregate classification.
Comment: This variant is classified as likely benign based on ACMG/AMP sequence variant interpretation guidelines (Richards et al. 2015 PMID: 25741868, with internal and published modifications).

NM_006662.3(SRCAP):c.1767A>G (p.Ala589=)

Gene: SRCAP (Snf2 related CREBBP activator protein; plus strand). Cytogenetic location: 16p11.2.
Variant type: single nucleotide variant.
Coding change: c.1767A>G on transcript NM_006662.3 (MANE Select); coding-DNA position 1767, A replaced by G.
Protein change: p.Ala589=; no amino-acid change (alanine 589 retained).
Molecular consequence: synonymous variant.
Genome position (GRCh38, 1-based): chr16:30,712,109, A>G. VCF-style: chr16-30712109-A-G. GRCh37 (hg19) VCF-style: chr16-30723430-A-G.
Identifiers: ClinVar variation 722565 (VCV000722565.11), dbSNP rs138290515, ClinGen allele CA8011055.